The following is an entry in ClinVar:

ClinVar aggregate classification (germline): Uncertain significance. Review status: criteria provided, multiple submitters, no conflicts (2 of 4 stars). 5 submissions from 5 submitters: Uncertain significance (5). Last evaluated 2025-04-24.

Conditions:
Hereditary cancer-predisposing syndrome. Also called: Neoplastic Syndromes, Hereditary; Tumor predisposition; Hereditary Cancer Syndrome; Hereditary neoplastic syndrome. Identifiers: Orphanet 140162, MedGen C0027672, MeSH D009386, MONDO:0015356.
Ataxia-telangiectasia syndrome (AT). Also called: Ataxia telangiectasia (A-T); Ataxia-telangiectasia, complementation group D; AT, COMPLEMENTATION GROUP C; ATAXIA-TELANGIECTASIA, COMPLEMENTATION GROUP A; Ataxia-telangiectasia, complementation group E; ATAXIA-TELANGIECTASIA, FRESNO VARIANT. Identifiers: Orphanet 100, MedGen C0004135, MONDO:0008840, OMIM 208900.
Familial cancer of breast. Also called: Hereditary breast cancer; BREAST CANCER, FAMILIAL; hereditary breast carcinoma. Identifiers: Orphanet 227535, MedGen C0346153, MONDO:0016419, OMIM 114480. Disease mechanism: loss of function.

Allele frequency attached by ClinVar (database versions not stated): gnomAD exomes below 0.00001.
gnomAD v4.1: 1 of 1,607,174 alleles (0.000062%); highest among the groups gnomAD compares: Admixed American, 0.0017%; no homozygotes.

Submissions (5):

Ambry Genetics
Classification: Uncertain significance for Hereditary cancer-predisposing syndrome. Last evaluated: 2025-04-24. Review status: criteria provided, single submitter. Criteria: Ambry Variant Classification Scheme 2023. Collection method: clinical testing. Allele origin: germline.
Comment: The p.D360V variant (also known as c.1079A>T), located in coding exon 8 of the ATM gene, results from an A to T substitution at nucleotide position 1079. The aspartic acid at codon 360 is replaced by valine, an amino acid with highly dissimilar properties. This amino acid position is not well conserved in available vertebrate species. In addition, this alteration is predicted to be tolerated by in silico analysis. Since supporting evidence is limited at this time, the clinical significance of this alteration remains unclear.

GeneDx
Classification: Uncertain significance. Last evaluated: 2024-03-21. Review status: criteria provided, single submitter. Criteria: GeneDx Variant Classification Process June 2021. Collection method: clinical testing. Allele origin: germline. Affected: yes.
Comment: Not observed at significant frequency in large population cohorts (gnomAD); In silico analysis supports that this missense variant has a deleterious effect on protein structure/function; Has not been previously published as pathogenic or benign to our knowledge

Baylor Genetics
Classification: Uncertain significance for Familial cancer of breast. Last evaluated: 2024-03-09. Review status: criteria provided, single submitter. Criteria: ACMG Guidelines, 2015. Collection method: clinical testing. Allele origin: unknown.

Labcorp Genetics (formerly Invitae), Labcorp
Classification: Uncertain significance for Ataxia-telangiectasia syndrome. Last evaluated: 2021-04-30. Review status: criteria provided, single submitter. Criteria: Invitae Variant Classification Sherloc (09022015). Collection method: clinical testing. Allele origin: germline.
Comment: In summary, the available evidence is currently insufficient to determine the role of this variant in disease. Therefore, it has been classified as a Variant of Uncertain Significance. Algorithms developed to predict the effect of missense changes on protein structure and function are either unavailable or do not agree on the potential impact of this missense change (SIFT: "Tolerated"; PolyPhen-2: "Possibly Damaging"; Align-GVGD: "Class C0"). This variant has not been reported in the literature in individuals with ATM-related conditions. ClinVar contains an entry for this variant (Variation ID: 560751). This variant is present in population databases (rs775767808, ExAC 0.009%). This sequence change replaces aspartic acid with valine at codon 360 of the ATM protein (p.Asp360Val). The aspartic acid residue is moderately conserved and there is a large physicochemical difference between aspartic acid and valine.

PreventionGenetics, part of Exact Sciences
Classification: Uncertain significance. Last evaluated: 2018-01-24. Review status: criteria provided, single submitter. Criteria: ACMG Guidelines, 2015. Collection method: clinical testing. Allele origin: germline.

NM_000051.4(ATM):c.1079A>T (p.Asp360Val)

Gene: ATM (ATM serine/threonine kinase; plus strand). Cytogenetic location: 11q22.3.
Variant type: single nucleotide variant.
Coding change: c.1079A>T on transcript NM_000051.4 (MANE Select); coding-DNA position 1079, A replaced by T.
Protein change: p.Asp360Val; replaces aspartic acid 360 with valine.
Molecular consequence: missense variant.
Genome position (GRCh38, 1-based): chr11:108,248,946, A>T. VCF-style: chr11-108248946-A-T. GRCh37 (hg19) VCF-style: chr11-108119673-A-T.
Other names: c.1079A>T, p.Asp360Val (NM_001351834.2); short protein forms D360V.
Identifiers: ClinVar variation 560751 (VCV000560751.17), dbSNP rs775767808, ClinGen allele CA6264760.